The following is an entry in ClinVar:

NM_003742.4(ABCB11):c.3432C>A (p.Ser1144Arg)

Gene: ABCB11 (ATP binding cassette subfamily B member 11; minus strand). Cytogenetic location: 2q31.1.
Variant type: single nucleotide variant.
Coding change: c.3432C>A on transcript NM_003742.4 (MANE Select); coding-DNA position 3432, C replaced by A.
Protein change: p.Ser1144Arg; replaces serine 1144 with arginine.
Molecular consequence: missense variant.
Genome position (GRCh38, 1-based): chr2:168,927,342, G>T on the plus strand (C>A on the coding strand, the complement: ABCB11 is on the minus strand). VCF-style: chr2-168927342-G-T. GRCh37 (hg19) VCF-style: chr2-169783852-G-T.
Other names: short protein forms S1144R.
Identifiers: ClinVar variation 4846169 (VCV004846169.1).

ClinVar aggregate classification (germline): Uncertain significance (1 of 4 stars; one submission).

Conditions:
Familial intrahepatic cholestasis. Identifiers: Orphanet 284385, MedGen CN296401, MONDO:0017290.

Submission:

Genomenon, Inc
Classification: Uncertain significance for Familial intrahepatic cholestasis. Last evaluated: 2026-04-14. Review status: criteria provided, single submitter. Criteria: Genomenon Sequence Variant Interpretation Standards - Updated. Collection method: curation. Allele origin: germline. Affected: yes.
Comment: ABCB11 p.Ser1144Arg (c.3432C>A) is a missense variant that changes the amino acid at residue 1144 from Serine to Arginine. This variant has been observed in at least one proband with an ABCB11-related disorder (PMID:10579978;19101985). Splicing studies have been reported (PMID:19101985). It is absent or not present at a significant frequency in gnomAD. In silico models predict that this variant is possibly or probably damaging. In conclusion, we classify ABCB11 p.Ser1144Arg (c.3432C>A) as a variant of uncertain significance.

Literature cited by the submitters: PubMed 10579978; PubMed 19101985.